The following is an entry in ClinVar:

ClinVar aggregate classification (germline): Conflicting classifications of pathogenicity. Review status: criteria provided, conflicting classifications (1 of 4 stars). 3 submissions from 3 submitters: Uncertain significance (1); Benign (1); Likely benign (1). Last evaluated 2025-04-01.

Conditions:
Idiopathic generalized epilepsy. Also called: Generalised epilepsy; EIG. Identifiers: MedGen C0270850, MONDO:0005579, OMIM 600669.
Epilepsy, idiopathic generalized, susceptibility to, 13. Also called: EPILEPSY, JUVENILE MYOCLONIC, SUSCEPTIBILITY TO, 5. Identifiers: Orphanet 307, Orphanet 64280, MedGen C4013473, MONDO:0012627, OMIM 611136.
Epilepsy, childhood absence 4 (ECA4). Also called: EPILEPSY, CHILDHOOD ABSENCE, SUSCEPTIBILITY TO, 4. Identifiers: Orphanet 307, MedGen C1970160.

Allele frequency attached by ClinVar (database versions not stated): 1000 Genomes Project 30x 0.00031; TOPMed 0.00005; 1000 Genomes Project 0.00040; gnomAD exomes 0.00012; ExAC 0.00014.
gnomAD v4.1: 207 of 1,614,022 alleles (0.013%); highest among the groups gnomAD compares: East Asian, 0.46%; 3 homozygotes.

Submissions (3):

Labcorp Genetics (formerly Invitae), Labcorp
Classification: Likely benign for Epilepsy, childhood absence 4; Epilepsy, idiopathic generalized, susceptibility to, 13; Idiopathic generalized epilepsy. Last evaluated: 2025-04-01. Review status: criteria provided, single submitter. Criteria: Invitae Variant Classification Sherloc (09022015). Collection method: clinical testing. Allele origin: germline.

GeneDx
Classification: Benign. Last evaluated: 2020-12-01. Review status: criteria provided, single submitter. Criteria: GeneDx Variant Classification Process June 2021. Collection method: clinical testing. Allele origin: germline. Affected: yes.
Comment: This variant is associated with the following publications: (PMID: 29429461)

Illumina Laboratory Services, Illumina
Classification: Uncertain significance for Epilepsy, idiopathic generalized, susceptibility to, 13. Last evaluated: 2018-01-12. Review status: criteria provided, single submitter. Criteria: ICSL Variant Classification Criteria 13 December 2019. Collection method: clinical testing. Allele origin: germline.

NM_001127644.2(GABRA1):c.1079C>A (p.Pro360His)

Gene: GABRA1 (gamma-aminobutyric acid type A receptor subunit alpha1; plus strand). Cytogenetic location: 5q34.
Variant type: single nucleotide variant.
Coding change: c.1079C>A on transcript NM_001127644.2 (MANE Select); coding-DNA position 1079, C replaced by A.
Protein change: p.Pro360His; replaces proline 360 with histidine.
Molecular consequence: missense variant.
Genome position (GRCh38, 1-based): chr5:161,897,130, C>A. VCF-style: chr5-161897130-C-A. GRCh37 (hg19) VCF-style: chr5-161324136-C-A.
Other names: c.1079C>A, p.Pro360His (NM_000806.5, NM_001127643.2, NM_001127645.2 and 1 more transcripts); short protein forms P360H.
Identifiers: ClinVar variation 904229 (VCV000904229.15), dbSNP rs80337021, ClinGen allele CA3544577.